The following is an entry in ClinVar:

ClinVar aggregate classification (germline): Conflicting classifications of pathogenicity. Review status: criteria provided, conflicting classifications (1 of 4 stars). 4 submissions from 3 submitters: Uncertain significance (3); Likely benign (1). Last evaluated 2025-03-16.

Conditions:
Nail-patella-like renal disease. Also called: GLOMERULAR BASEMENT MEMBRANE DISEASE, NAIL-PATELLA SYNDROME TYPE; Focal Segmental Glomerulosclerosis 10. Identifiers: Orphanet 2613, MedGen C0403548, MONDO:0009724, OMIM 256020.
Inborn genetic diseases. Identifiers: MedGen C0950123, MeSH D030342.
Nail-patella syndrome (NPS). Also called: FONG DISEASE; ONYCHOOSTEODYSPLASIA; TURNER-KIESER SYNDROME. Identifiers: Orphanet 2614, MedGen C0027341, MONDO:0008061, OMIM 161200.

Allele frequency attached by ClinVar (database versions not stated): gnomAD 0.00001 and 0.00003; gnomAD exomes 0.00002 and 0.00004; TOPMed 0.00002; ExAC 0.00005.
gnomAD v4.1: 33 of 1,613,248 alleles (0.002%); highest among the groups gnomAD compares: Middle Eastern, 0.016%; no homozygotes.

Submissions (4):

Labcorp Genetics (formerly Invitae), Labcorp
Classification: Uncertain significance. Last evaluated: 2025-03-16. Review status: criteria provided, single submitter. Criteria: Invitae Variant Classification Sherloc (09022015). Collection method: clinical testing. Allele origin: germline.
Comment: This sequence change replaces valine, which is neutral and non-polar, with methionine, which is neutral and non-polar, at codon 320 of the LMX1B protein (p.Val320Met). This variant is present in population databases (rs778847250, gnomAD 0.01%). This variant has not been reported in the literature in individuals affected with LMX1B-related conditions. ClinVar contains an entry for this variant (Variation ID: 1035953). Invitae Evidence Modeling of protein sequence and biophysical properties (such as structural, functional, and spatial information, amino acid conservation, physicochemical variation, residue mobility, and thermodynamic stability) indicates that this missense variant is not expected to disrupt LMX1B protein function with a negative predictive value of 80%. In summary, the available evidence is currently insufficient to determine the role of this variant in disease. Therefore, it has been classified as a Variant of Uncertain Significance.

Ambry Genetics
Classification: Likely benign for Inborn genetic diseases. Last evaluated: 2025-02-12. Review status: criteria provided, single submitter. Criteria: Ambry Variant Classification Scheme 2023. Collection method: clinical testing. Allele origin: germline.

Baylor Genetics
Classification: Uncertain significance for Nail-patella-like renal disease. Last evaluated: 2023-02-01. Review status: criteria provided, single submitter. Criteria: ACMG Guidelines, 2015. Collection method: clinical testing. Allele origin: unknown.

Baylor Genetics
Classification: Uncertain significance for Nail-patella syndrome. Last evaluated: 2023-02-01. Review status: criteria provided, single submitter. Criteria: ACMG Guidelines, 2015. Collection method: clinical testing. Allele origin: unknown.

NM_001174147.2(LMX1B):c.958G>A (p.Val320Met)

Gene: LMX1B (LIM homeobox transcription factor 1 beta; plus strand). Cytogenetic location: 9q33.3.
Variant type: single nucleotide variant.
Coding change: c.958G>A on transcript NM_001174147.2 (MANE Select); coding-DNA position 958, G replaced by A.
Protein change: p.Val320Met; replaces valine 320 with methionine.
Molecular consequence: missense variant.
Genome position (GRCh38, 1-based): chr9:126,695,910, G>A. VCF-style: chr9-126695910-G-A. GRCh37 (hg19) VCF-style: chr9-129458189-G-A.
Other names: c.958G>A (NM_002316.3); c.991G>A, p.Val331Met (NM_001174146.2); c.958G>A, p.Val320Met (NM_002316.4); short protein forms V331M, V320M.
Identifiers: ClinVar variation 1035953 (VCV001035953.10), dbSNP rs778847250, ClinGen allele CA5242495.